The following is an entry in ClinVar:

ClinVar aggregate classification (germline): Uncertain significance (1 of 4 stars; one submission).

Conditions:
Baller-Gerold syndrome (BGS). Also called: CRANIOSYNOSTOSIS WITH RADIAL DEFECTS. Identifiers: Orphanet 1225, MedGen C0265308, MONDO:0009039, OMIM 218600.

Allele frequency attached by ClinVar (database versions not stated): gnomAD exomes below 0.00001.
gnomAD v4.1: 1 of 1,611,930 alleles (0.000062%); highest among the groups gnomAD compares: Non-Finnish European, 0.000085%; no homozygotes.

Submission:

Labcorp Genetics (formerly Invitae), Labcorp
Classification: Uncertain significance for Baller-Gerold syndrome. Last evaluated: 2022-07-13. Review status: criteria provided, single submitter. Criteria: Invitae Variant Classification Sherloc (09022015). Collection method: clinical testing. Allele origin: germline.
Comment: In summary, the available evidence is currently insufficient to determine the role of this variant in disease. Therefore, it has been classified as a Variant of Uncertain Significance. Variants that disrupt the consensus splice site are a relatively common cause of aberrant splicing (PMID: 17576681, 9536098). Algorithms developed to predict the effect of sequence changes on RNA splicing suggest that this variant may disrupt the consensus splice site. This variant has not been reported in the literature in individuals affected with RECQL4-related conditions. This variant is not present in population databases (gnomAD no frequency). This sequence change affects an acceptor splice site in intron 20 of the RECQL4 gene. While this variant is not anticipated to result in nonsense mediated decay, it likely alters RNA splicing and results in a disrupted protein product.

Literature cited by the submitters: PubMed 17576681; PubMed 9536098.

NM_004260.4(RECQL4):c.3503-1G>A

Gene: RECQL4 (RecQ like helicase 4; minus strand). Cytogenetic location: 8q24.3.
Variant type: single nucleotide variant.
Coding change: c.3503-1G>A on transcript NM_004260.4 (MANE Select); the canonical splice acceptor site of the intron before coding-DNA position 3503, G replaced by A.
Molecular consequence: splice acceptor variant.
Genome position (GRCh38, 1-based): chr8:144,511,556, C>T on the plus strand (G>A on the coding strand, the complement: RECQL4 is on the minus strand). VCF-style: chr8-144511556-C-T. GRCh37 (hg19) VCF-style: chr8-145736939-C-T.
Other names: c.3374-1G>A (NM_001413025.1); c.3152-1G>A (NM_001413029.1); c.2366-1G>A (NM_001413032.1, NM_001413027.1, NM_001413030.1); c.2432-1G>A (NM_001413035.1, NM_001413040.1, NM_001413021.1 and 4 more transcripts); c.3209-1G>A (NM_001413017.1); c.3407-1G>A (NM_001413020.1); c.3473-1G>A (NM_001413039.1); c.3371-1G>A (NM_001413033.1); and 9 more.
Identifiers: ClinVar variation 2016736 (VCV002016736.4), dbSNP rs2537961085, ClinGen allele CA372666280.